The following is an entry in ClinVar:

ClinVar aggregate classification (germline): Uncertain significance. Review status: criteria provided, multiple submitters, no conflicts (2 of 4 stars). 2 submissions from 2 submitters: Uncertain significance (2). Last evaluated 2023-10-20.

Conditions:
Hereditary cancer-predisposing syndrome. Also called: Neoplastic Syndromes, Hereditary; Tumor predisposition; Hereditary Cancer Syndrome; Hereditary neoplastic syndrome. Identifiers: Orphanet 140162, MedGen C0027672, MeSH D009386, MONDO:0015356.
Familial cancer of breast. Also called: BREAST CANCER, FAMILIAL; Hereditary breast cancer; hereditary breast carcinoma. Identifiers: Orphanet 227535, MedGen C0346153, MONDO:0016419, OMIM 114480. Disease mechanism: loss of function.

Submissions (2):

Baylor Genetics
Classification: Uncertain significance for Familial cancer of breast. Last evaluated: 2023-10-20. Review status: criteria provided, single submitter. Criteria: ACMG Guidelines, 2015. Collection method: clinical testing. Allele origin: unknown.

Ambry Genetics
Classification: Uncertain significance for Hereditary cancer-predisposing syndrome. Last evaluated: 2017-08-01. Review status: criteria provided, single submitter. Criteria: Ambry Variant Classification Scheme 2023. Collection method: clinical testing. Allele origin: germline.
Comment: The p.A1173D variant (also known as c.3518C>A), located in coding exon 13 of the PALB2 gene, results from a C to A substitution at nucleotide position 3518. The alanine at codon 1173 is replaced by aspartic acid, an amino acid with dissimilar properties. This amino acid position is well conserved in available vertebrate species. In addition, the in silico prediction for this alteration is inconclusive. Since supporting evidence is limited at this time, the clinical significance of this alteration remains unclear.

NM_024675.4(PALB2):c.3518C>A (p.Ala1173Asp)

Gene: PALB2 (partner and localizer of BRCA2; minus strand). Cytogenetic location: 16p12.2.
Variant type: single nucleotide variant.
Coding change: c.3518C>A on transcript NM_024675.4 (MANE Select); coding-DNA position 3518, C replaced by A.
Protein change: p.Ala1173Asp; replaces alanine 1173 with aspartic acid.
Molecular consequence: missense variant.
Genome position (GRCh38, 1-based): chr16:23,603,502, G>T on the plus strand (C>A on the coding strand, the complement: PALB2 is on the minus strand). VCF-style: chr16-23603502-G-T. GRCh37 (hg19) VCF-style: chr16-23614823-G-T.
Other names: short protein forms A1173D.
Identifiers: ClinVar variation 484241 (VCV000484241.6), dbSNP rs146659762, ClinGen allele CA395137850.